The following is an entry in ClinVar:

NM_013382.7(POMT2):c.1769A>G (p.Tyr590Cys)

Gene: POMT2 (protein O-mannosyltransferase 2; minus strand). Cytogenetic location: 14q24.3.
Variant type: single nucleotide variant.
Coding change: c.1769A>G on transcript NM_013382.7 (MANE Select); coding-DNA position 1769, A replaced by G.
Protein change: p.Tyr590Cys; replaces tyrosine 590 with cysteine.
Molecular consequence: missense variant.
Genome position (GRCh38, 1-based): chr14:77,280,037, T>C on the plus strand (A>G on the coding strand, the complement: POMT2 is on the minus strand). VCF-style: chr14-77280037-T-C. GRCh37 (hg19) VCF-style: chr14-77746380-T-C.
Other names: short protein forms Y590C.
Identifiers: ClinVar variation 1041643 (VCV001041643.9), dbSNP rs1566644163, ClinGen allele CA390515011.
Genomic context (GRCh38, chr14:77,280,037, plus strand): 5'-GGCAAGTGCTCCAGGGCCTGAGCCGGGAATGTTTAGGCACTCACCGGGTTGCCAAGCAGA[T>C]AGACTCGGAAATCTGTGTCATTGACCCCTGAGAAGCGTAGGCCCTGTGGAATAGAGACCA-3'
Protein context (NP_037514.2, residues 580-600): SGVNDTDFRV[Tyr590Cys]LLGNPVVWWL

ClinVar aggregate classification (germline): Uncertain significance (1 of 4 stars; one submission).

Conditions:
Muscular dystrophy-dystroglycanopathy (congenital with brain and eye anomalies), type A2. Also called: MUSCULAR DYSTROPHY-DYSTROGLYCANOPATHY (CONGENITAL WITH BRAIN AND EYE ANOMALIES), TYPE A, 2; WALKER-WARBURG SYNDROME OR MUSCLE-EYE-BRAIN DISEASE, POMT2-RELATED. Identifiers: Orphanet 588, Orphanet 899, MedGen C3150411, MONDO:0013154, OMIM 613150.
Muscular dystrophy-dystroglycanopathy (congenital with impaired intellectual development), type B, 2. Also called: MUSCULAR DYSTROPHY, CONGENITAL, POMT2-RELATED; Muscular dystrophy-dystroglycanopathy (congenital with intellectual disability), type B2. Identifiers: MedGen C3150416, MONDO:0013160, OMIM 613156.
Autosomal recessive limb-girdle muscular dystrophy type 2N. Also called: Muscular dystrophy-dystroglycanopathy (limb-girdle), type C, 2; MUSCULAR DYSTROPHY-DYSTROGLYCANOPATHY, LIMB-GIRDLE, POMT2-RELATED. Identifiers: Orphanet 206559, MedGen C3150418, MONDO:0013162, OMIM 613158.

Allele frequency attached by ClinVar (database versions not stated): gnomAD exomes 0.00001.
gnomAD v4.1: 11 of 1,613,932 alleles (0.00068%); highest among the groups gnomAD compares: East Asian, 0.0022%; no homozygotes.

Submission:

Labcorp Genetics (formerly Invitae), Labcorp
Classification: Uncertain significance for Muscular dystrophy-dystroglycanopathy (congenital with impaired intellectual development), type B, 2; Muscular dystrophy-dystroglycanopathy (congenital with brain and eye anomalies), type A2; Autosomal recessive limb-girdle muscular dystrophy type 2N. Last evaluated: 2020-01-01. Review status: criteria provided, single submitter. Criteria: Invitae Variant Classification Sherloc (09022015). Collection method: clinical testing. Allele origin: germline.
Comment: This variant has not been reported in the literature in individuals with POMT2-related conditions. This variant is not present in population databases (ExAC no frequency). This sequence change replaces tyrosine with cysteine at codon 590 of the POMT2 protein (p.Tyr590Cys). The tyrosine residue is highly conserved and there is a large physicochemical difference between tyrosine and cysteine. In summary, the available evidence is currently insufficient to determine the role of this variant in disease. Therefore, it has been classified as a Variant of Uncertain Significance. Algorithms developed to predict the effect of missense changes on protein structure and function (SIFT, PolyPhen-2, Align-GVGD) all suggest that this variant is likely to be disruptive, but these predictions have not been confirmed by published functional studies and their clinical significance is uncertain.